The following is an entry in ClinVar:

NM_007194.3(CHEK2):c.320-?_592+?dup273

Gene: CHEK2 (checkpoint kinase 2; minus strand). Cytogenetic location: 22q12.1.
Variant type: Duplication.
Coding change: c.320-?_592+?dup273 on transcript NM_007194.3.
Identifiers: ClinVar variation 216002 (VCV000216002.2).

ClinVar aggregate classification (germline): Likely pathogenic (1 of 4 stars; one submission).

Conditions:
Familial cancer of breast. Also called: Hereditary breast cancer; BREAST CANCER, FAMILIAL; hereditary breast carcinoma. Identifiers: Orphanet 227535, MedGen C0346153, MONDO:0016419, OMIM 114480. Disease mechanism: loss of function.

Submission:

Labcorp Genetics (formerly Invitae), Labcorp
Classification: Likely pathogenic for Familial cancer of breast. Last evaluated: 2016-11-09. Review status: criteria provided, single submitter. Criteria: Invitae Variant Classification Sherloc (09022015). Collection method: clinical testing. Allele origin: germline.
Comment: This variant is a gross duplication of the genomic region encompassing exons 3-4 of the CHEK2 gene. While the exact position of the duplicated exons cannot be determined from this data, the duplicated copy of this region is likely in tandem and may result in an absent or disrupted protein product. This variant has been observed in several individuals affected with breast cancer and in two individuals with prostate cancer and renal cancer, respectively (Invitae database). In summary, sub-genic duplications are generally in tandem (PMID: 25640679), and are expected to result in an absent or disrupted protein. However, the exact location of this duplication has not been confirmed. Therefore, it has been classified as Likely Pathogenic.